The following is an entry in ClinVar:

NM_003922.4(HERC1):c.3380C>A (p.Pro1127Gln)

Gene: HERC1 (HECT and RLD domain containing E3 ubiquitin protein ligase family member 1; minus strand). Cytogenetic location: 15q22.31.
Variant type: single nucleotide variant.
Coding change: c.3380C>A on transcript NM_003922.4 (MANE Select); coding-DNA position 3380, C replaced by A.
Protein change: p.Pro1127Gln; replaces proline 1127 with glutamine.
Molecular consequence: missense variant.
Genome position (GRCh38, 1-based): chr15:63,725,480, G>T on the plus strand (C>A on the coding strand, the complement: HERC1 is on the minus strand). VCF-style: chr15-63725480-G-T. GRCh37 (hg19) VCF-style: chr15-64017679-G-T.
Other names: short protein forms P1127Q.
Identifiers: ClinVar variation 3716677 (VCV003716677.2).
Genomic context (GRCh38, chr15:63,725,480, plus strand): 5'-AGAGCAATTGTTCTTTCTAGATCCACAAGCCATACCCAGGACTGAGCTGGCTGAGGTAAT[G>T]GCAGACCAGCAGGATCAATTAGTTCTGGCCCTCCTAAAGACAAAATCATTAGTTATTGTG-3'
Protein context (NP_003913.3, residues 1117-1137): GPELIDPAGL[Pro1127Gln]LPQPAQSWVW

ClinVar aggregate classification (germline): Uncertain significance (1 of 4 stars; one submission).

gnomAD v4.1: 83 of 1,613,868 alleles (0.0051%); highest among the groups gnomAD compares: East Asian, 0.18%; 1 homozygote.

Submission:

Labcorp Genetics (formerly Invitae), Labcorp
Classification: Uncertain significance. Last evaluated: 2024-07-24. Review status: criteria provided, single submitter. Criteria: Invitae Variant Classification Sherloc (09022015). Collection method: clinical testing. Allele origin: germline.
Comment: This sequence change replaces proline, which is neutral and non-polar, with glutamine, which is neutral and polar, at codon 1127 of the HERC1 protein (p.Pro1127Gln). This variant is present in population databases (rs193124520, gnomAD 0.1%). This variant has not been reported in the literature in individuals affected with HERC1-related conditions. An algorithm developed to predict the effect of missense changes on protein structure and function (PolyPhen-2) suggests that this variant is likely to be tolerated. In summary, the available evidence is currently insufficient to determine the role of this variant in disease. Therefore, it has been classified as a Variant of Uncertain Significance.